The following is an entry in ClinVar:

ClinVar aggregate classification (germline): Uncertain significance (1 of 4 stars; one submission).

Conditions:
Ehlers-Danlos syndrome, classic type, 1 (EDSCL1). Also called: EHLERS-DANLOS SYNDROME, GRAVIS TYPE; EHLERS-DANLOS SYNDROME, SEVERE CLASSIC TYPE; Ehlers-Danlos syndrome, type 1; Ehlers-Danlos Syndrome, Classic Type, COL5A1-Related; EDS I. Identifiers: MedGen C0268335, MONDO:0019567, OMIM 130000.

Submission:

Labcorp Genetics (formerly Invitae), Labcorp
Classification: Uncertain significance for Ehlers-Danlos syndrome, classic type, 1. Last evaluated: 2023-12-30. Review status: criteria provided, single submitter. Criteria: Invitae Variant Classification Sherloc (09022015). Collection method: clinical testing. Allele origin: germline.
Comment: This sequence change replaces glycine, which is neutral and non-polar, with cysteine, which is neutral and slightly polar, at codon 691 of the COL5A1 protein (p.Gly691Cys). This variant is not present in population databases (gnomAD no frequency). This variant has not been reported in the literature in individuals affected with COL5A1-related conditions. Advanced modeling of protein sequence and biophysical properties (such as structural, functional, and spatial information, amino acid conservation, physicochemical variation, residue mobility, and thermodynamic stability) performed at Invitae indicates that this missense variant is expected to disrupt COL5A1 protein function with a positive predictive value of 80%. This variant disrupts the triple helix domain of COL5A1. Glycine residues within the Gly-Xaa-Yaa repeats of the triple helix domain are required for the structure and stability of fibrillar collagens (PMID: 7695699, 8218237, 19344236), and variants at these glycine residues in COL5A1 are more frequently observed in individuals with disease than in the general population (PMID: 22696272, 23587214). However, the clinical significance of this observation remains uncertain since only a limited number of affected individuals have been described to date. In summary, the available evidence is currently insufficient to determine the role of this variant in disease. Therefore, it has been classified as a Variant of Uncertain Significance.

Literature cited by the submitters: PubMed 7695699; PubMed 8218237; PubMed 19344236; PubMed 22696272; PubMed 23587214.

NM_000093.5(COL5A1):c.2071G>T (p.Gly691Cys)

Gene: COL5A1 (collagen type V alpha 1 chain; plus strand). Cytogenetic location: 9q34.3.
Variant type: single nucleotide variant.
Coding change: c.2071G>T on transcript NM_000093.5 (MANE Select); coding-DNA position 2071, G replaced by T.
Protein change: p.Gly691Cys; replaces glycine 691 with cysteine.
Molecular consequence: missense variant.
Genome position (GRCh38, 1-based): chr9:134,765,717, G>T. VCF-style: chr9-134765717-G-T. GRCh37 (hg19) VCF-style: chr9-137657563-G-T.
Other names: c.2071G>T, p.Gly691Cys (NM_001278074.1); short protein forms G691C.
Identifiers: ClinVar variation 2792245 (VCV002792245.3), dbSNP rs2490660086, ClinGen allele CA375447158.
Genomic context (GRCh38, chr9:134,765,717, plus strand): 5'-CCTATTTTCCCTTTCCTCTTACAGGGGCCACGTGGTCTGCTTGGGCCGAAGGGGCCCCCA[G>T]GTCCTCCCGGACCTCCCGTAAGTCCCATTACCGCCCTGCTTGTCTGCCCCCATCTCGGCC-3'
Protein context (NP_000084.3, residues 681-701): RGLLGPKGPP[Gly691Cys]PPGPPGVTGM